The following is an entry in ClinVar:

NM_003235.5(TG):c.3847+1G>A

Gene: TG (thyroglobulin; plus strand). Cytogenetic location: 8q24.22.
Variant type: single nucleotide variant.
Coding change: c.3847+1G>A on transcript NM_003235.5 (MANE Select); the canonical splice donor site of the intron after coding-DNA position 3847, G replaced by A.
Molecular consequence: splice donor variant.
Genome position (GRCh38, 1-based): chr8:132,906,901, G>A. VCF-style: chr8-132906901-G-A. GRCh37 (hg19) VCF-style: chr8-133919146-G-A.
Identifiers: ClinVar variation 2781059 (VCV002781059.3), dbSNP rs748654543, ClinGen allele CA4883901.
Genomic context (GRCh38, chr8:132,906,901, plus strand): 5'-TATGTAGCCTGGAGAGCGGACGCTGGGAGTCACAGCTGCCTCAGCCCCGGGCCTGCCAAC[G>A]TGAGTGGCATCAGAGCATCTATCCTGCACCCCGCTCCCTCTCAGGGCTAGGGCTGGGACC-3'

ClinVar aggregate classification (germline): Likely pathogenic (1 of 4 stars; one submission).

gnomAD v4.1: 5 of 1,609,632 alleles (0.00031%); highest among the groups gnomAD compares: Non-Finnish European, 0.00042%; no homozygotes.

Submission:

Labcorp Genetics (formerly Invitae), Labcorp
Classification: Likely pathogenic. Last evaluated: 2023-12-30. Review status: criteria provided, single submitter. Criteria: Invitae Variant Classification Sherloc (09022015). Collection method: clinical testing. Allele origin: germline.
Comment: This sequence change affects a donor splice site in intron 17 of the TG gene. It is expected to disrupt RNA splicing. Variants that disrupt the donor or acceptor splice site typically lead to a loss of protein function (PMID: 16199547), and loss-of-function variants in TG are known to be pathogenic (PMID: 19837936, 23164529). The frequency data for this variant in the population databases is considered unreliable, as metrics indicate poor data quality at this position in the gnomAD database. This variant has not been reported in the literature in individuals affected with TG-related conditions. Algorithms developed to predict the effect of sequence changes on RNA splicing suggest that this variant may disrupt the consensus splice site. In summary, the currently available evidence indicates that the variant is pathogenic, but additional data are needed to prove that conclusively. Therefore, this variant has been classified as Likely Pathogenic.

Literature cited by the submitters: PubMed 16199547; PubMed 19837936; PubMed 23164529.